The following is an entry in ClinVar:

ClinVar aggregate classification (germline): Likely benign (0 of 4 stars; one submission).

Conditions:
FANCB-related disorder. Also called: FANCB-related condition.

Allele frequency attached by ClinVar (database versions not stated): gnomAD exomes below 0.00001; gnomAD 0.00001.
gnomAD v4.1: 2 of 1,151,995 alleles (0.00017%); highest among the groups gnomAD compares: African/African-American, 0.0037%; no homozygotes.

Submission:

PreventionGenetics, part of Exact Sciences
Classification: Likely benign for FANCB-related condition. Last evaluated: 2019-09-10. Review status: no assertion criteria provided. Collection method: clinical testing. Allele origin: germline.
Comment: This variant is classified as likely benign based on ACMG/AMP sequence variant interpretation guidelines (Richards et al. 2015 PMID: 25741868, with internal and published modifications).

NM_001018113.3(FANCB):c.285G>A (p.Val95=)

Gene: FANCB (FA complementation group B; minus strand). Cytogenetic location: Xp22.2.
Variant type: single nucleotide variant.
Coding change: c.285G>A on transcript NM_001018113.3 (MANE Select); coding-DNA position 285, G replaced by A.
Protein change: p.Val95=; no amino-acid change (valine 95 retained).
Molecular consequence: synonymous variant. On other transcripts: non-coding transcript variant (1).
Genome position (GRCh38, 1-based): chrX:14,865,226, C>T on the plus strand (G>A on the coding strand, the complement: FANCB is on the minus strand). VCF-style: chrX-14865226-C-T. GRCh37 (hg19) VCF-style: chrX-14883348-C-T.
Other names: c.285G>A, p.Val95= (NM_001324162.2, NM_001410764.1, NM_152633.4).
Identifiers: ClinVar variation 3040570 (VCV003040570.2), dbSNP rs2092464258, ClinGen allele CA515637435.